The following is an entry in ClinVar:

ClinVar aggregate classification (germline): Uncertain significance. Review status: criteria provided, multiple submitters, no conflicts (2 of 4 stars). 3 submissions from 3 submitters: Uncertain significance (3). Last evaluated 2026-03-02.

Conditions:
Sessile serrated polyposis cancer syndrome (SSPCS). Identifiers: Orphanet 157798, MedGen C4310714, MONDO:0014919, OMIM 617108.

Allele frequency attached by ClinVar (database versions not stated): ExAC 0.00003.
gnomAD v4.1: 14 of 1,610,248 alleles (0.00087%); highest among the groups gnomAD compares: South Asian, 0.0033%; no homozygotes.

Submissions (3):

Ambry Genetics
Classification: Uncertain significance. Last evaluated: 2026-03-02. Review status: criteria provided, single submitter. Criteria: Ambry Variant Classification Scheme 2023. Collection method: clinical testing. Allele origin: germline.
Comment: The p.R219H variant (also known as c.656G>A), located in coding exon 5 of the RNF43 gene, results from a G to A substitution at nucleotide position 656. The arginine at codon 219 is replaced by histidine, an amino acid with highly similar properties. This amino acid position is highly conserved in available vertebrate species. In addition, this alteration is predicted to be tolerated by in silico analysis. The evidence for this gene-disease relationship is limited; therefore, the clinical significance of this variant is unclear.

Labcorp Genetics (formerly Invitae), Labcorp
Classification: Uncertain significance. Last evaluated: 2024-11-06. Review status: criteria provided, single submitter. Criteria: Invitae Variant Classification Sherloc (09022015). Collection method: clinical testing. Allele origin: germline.
Comment: This sequence change replaces arginine, which is basic and polar, with histidine, which is basic and polar, at codon 219 of the RNF43 protein (p.Arg219His). The frequency data for this variant in the population databases is considered unreliable, as metrics indicate poor data quality at this position in the gnomAD database. This variant has not been reported in the literature in individuals affected with RNF43-related conditions. ClinVar contains an entry for this variant (Variation ID: 2177097). An algorithm developed to predict the effect of missense changes on protein structure and function (PolyPhen-2) suggests that this variant is likely to be disruptive. In summary, the available evidence is currently insufficient to determine the role of this variant in disease. Therefore, it has been classified as a Variant of Uncertain Significance.

Baylor Genetics
Classification: Uncertain significance for Sessile serrated polyposis cancer syndrome. Last evaluated: 2023-07-01. Review status: criteria provided, single submitter. Criteria: ACMG Guidelines, 2015. Collection method: clinical testing. Allele origin: unknown.

NM_017763.6(RNF43):c.656G>A (p.Arg219His)

Gene: RNF43 (ring finger protein 43; minus strand). Cytogenetic location: 17q22.
Variant type: single nucleotide variant.
Coding change: c.656G>A on transcript NM_017763.6 (MANE Select); coding-DNA position 656, G replaced by A.
Protein change: p.Arg219His; replaces arginine 219 with histidine.
Molecular consequence: missense variant.
Genome position (GRCh38, 1-based): chr17:58,362,575, C>T on the plus strand (G>A on the coding strand, the complement: RNF43 is on the minus strand). VCF-style: chr17-58362575-C-T. GRCh37 (hg19) VCF-style: chr17-56439936-C-T.
Other names: c.656G>A, p.Arg219His (NM_001305544.3); c.275G>A, p.Arg92His (NM_001305545.2); c.656G>A (NM_017763.4); short protein forms R219H, R92H.
Identifiers: ClinVar variation 2177097 (VCV002177097.6), dbSNP rs377765604, ClinGen allele CA8673356.